The following is an entry in ClinVar:

NM_018249.6(CDK5RAP2):c.2992G>A (p.Gly998Arg)

Gene: CDK5RAP2 (CDK5 regulatory subunit associated protein 2; minus strand). Cytogenetic location: 9q33.2.
Variant type: single nucleotide variant.
Coding change: c.2992G>A on transcript NM_018249.6 (MANE Select); coding-DNA position 2992, G replaced by A.
Protein change: p.Gly998Arg; replaces glycine 998 with arginine.
Molecular consequence: missense variant. On other transcripts: non-coding transcript variant (5).
Genome position (GRCh38, 1-based): chr9:120,447,928, C>T on the plus strand (G>A on the coding strand, the complement: CDK5RAP2 is on the minus strand). VCF-style: chr9-120447928-C-T. GRCh37 (hg19) VCF-style: chr9-123210206-C-T.
Other names: c.2992G>A, p.Gly998Arg (NM_001011649.3); c.2302G>A, p.Gly768Arg (NM_001272039.2); c.2893G>A, p.Gly965Arg (NM_001410992.1); c.2896G>A, p.Gly966Arg (NM_001410993.1); c.2989G>A, p.Gly997Arg (NM_001410994.1); short protein forms G768R, G966R, G998R, G997R, G965R.
Identifiers: ClinVar variation 2985908 (VCV002985908.3), dbSNP rs1279004388, ClinGen allele CA374722553.

ClinVar aggregate classification (germline): Uncertain significance (1 of 4 stars; one submission).

Allele frequency attached by ClinVar (database versions not stated): gnomAD exomes 0.00001; TOPMed 0.00001.
gnomAD v4.1: 10 of 1,614,166 alleles (0.00062%); highest among the groups gnomAD compares: Non-Finnish European, 0.00085%; no homozygotes.

Submission:

Labcorp Genetics (formerly Invitae), Labcorp
Classification: Uncertain significance. Last evaluated: 2025-12-03. Review status: criteria provided, single submitter. Criteria: Invitae Variant Classification Sherloc (09022015). Collection method: clinical testing. Allele origin: germline.
Comment: This sequence change replaces glycine, which is neutral and non-polar, with arginine, which is basic and polar, at codon 998 of the CDK5RAP2 protein (p.Gly998Arg). This variant is present in population databases (no rsID available, gnomAD 0.007%). This variant has not been reported in the literature in individuals affected with CDK5RAP2-related conditions. ClinVar contains an entry for this variant (Variation ID: 2985908). An algorithm developed to predict the effect of missense changes on protein structure and function (PolyPhen-2) suggests that this variant is likely to be disruptive. In summary, the available evidence is currently insufficient to determine the role of this variant in disease. Therefore, it has been classified as a Variant of Uncertain Significance.